The following is an entry in ClinVar:

NM_005051.3(QARS1):c.1036G>A (p.Ala346Thr)

Gene: QARS1 (glutaminyl-tRNA synthetase 1; minus strand). Cytogenetic location: 3p21.31.
Variant type: single nucleotide variant.
Coding change: c.1036G>A on transcript NM_005051.3 (MANE Select); coding-DNA position 1036, G replaced by A.
Protein change: p.Ala346Thr; replaces alanine 346 with threonine.
Molecular consequence: missense variant. On other transcripts: non-coding transcript variant (1).
Genome position (GRCh38, 1-based): chr3:49,100,399, C>T on the plus strand (G>A on the coding strand, the complement: QARS1 is on the minus strand). VCF-style: chr3-49100399-C-T. GRCh37 (hg19) VCF-style: chr3-49137832-C-T.
Other names: c.1003G>A, p.Ala335Thr (NM_001272073.2); short protein forms A335T, A346T.
Identifiers: ClinVar variation 959841 (VCV000959841.2), dbSNP rs2042453818, ClinGen allele CA352711046.

ClinVar aggregate classification (germline): Uncertain significance (1 of 4 stars; one submission).

Conditions:
Diffuse cerebral and cerebellar atrophy - intractable seizures - progressive microcephaly syndrome. Also called: Microcephaly, progressive, with seizures and cerebral and cerebellar atrophy. Identifiers: Orphanet 404437, MedGen C4014239, MONDO:0014335, OMIM 615760.

Submission:

Labcorp Genetics (formerly Invitae), Labcorp
Classification: Uncertain significance for Diffuse cerebral and cerebellar atrophy - intractable seizures - progressive microcephaly syndrome. Last evaluated: 2019-09-28. Review status: criteria provided, single submitter. Criteria: Invitae Variant Classification Sherloc (09022015). Collection method: clinical testing. Allele origin: germline.
Comment: This sequence change replaces alanine with threonine at codon 346 of the QARS protein (p.Ala346Thr). The alanine residue is highly conserved and there is a small physicochemical difference between alanine and threonine. This variant is not present in population databases (ExAC no frequency). This variant has not been reported in the literature in individuals with QARS-related conditions. Algorithms developed to predict the effect of missense changes on protein structure and function (SIFT, PolyPhen-2, Align-GVGD) all suggest that this variant is likely to be disruptive, but these predictions have not been confirmed by published functional studies and their clinical significance is uncertain. In summary, the available evidence is currently insufficient to determine the role of this variant in disease. Therefore, it has been classified as a Variant of Uncertain Significance.